The following is an entry in ClinVar:

NM_006431.3(CCT2):c.1418A>G (p.Asn473Ser)

Gene: CCT2 (chaperonin containing TCP1 subunit 2; plus strand). Cytogenetic location: 12q15.
Variant type: single nucleotide variant.
Coding change: c.1418A>G on transcript NM_006431.3 (MANE Select); coding-DNA position 1418, A replaced by G.
Protein change: p.Asn473Ser; replaces asparagine 473 with serine.
Molecular consequence: missense variant.
Genome position (GRCh38, 1-based): chr12:69,598,404, A>G. VCF-style: chr12-69598404-A-G. GRCh37 (hg19) VCF-style: chr12-69992184-A-G.
Other names: c.1277A>G, p.Asn426Ser (NM_001198842.2); short protein forms N473S, N426S.
Identifiers: ClinVar variation 968783 (VCV000968783.8), dbSNP rs771295075, ClinGen allele CA6680857.

ClinVar aggregate classification (germline): Uncertain significance (1 of 4 stars; one submission).

Allele frequency attached by ClinVar (database versions not stated): gnomAD 0.00001; gnomAD exomes 0.00001; ExAC 0.00002; TOPMed below 0.00001.

Submission:

Labcorp Genetics (formerly Invitae), Labcorp
Classification: Uncertain significance. Last evaluated: 2024-06-20. Review status: criteria provided, single submitter. Criteria: Invitae Variant Classification Sherloc (09022015). Collection method: clinical testing. Allele origin: germline.
Comment: This sequence change replaces asparagine, which is neutral and polar, with serine, which is neutral and polar, at codon 473 of the CCT2 protein (p.Asn473Ser). This variant is present in population databases (rs771295075, gnomAD 0.004%). This variant has not been reported in the literature in individuals affected with CCT2-related conditions. ClinVar contains an entry for this variant (Variation ID: 968783). An algorithm developed to predict the effect of missense changes on protein structure and function (PolyPhen-2) suggests that this variant is likely to be tolerated. In summary, the available evidence is currently insufficient to determine the role of this variant in disease. Therefore, it has been classified as a Variant of Uncertain Significance.